The following is an entry in ClinVar:

ClinVar aggregate classification (germline): Uncertain significance (1 of 4 stars; one submission).

gnomAD v4.1: 8 of 1,594,742 alleles (0.0005%); highest among the groups gnomAD compares: Admixed American, 0.0068%; no homozygotes.

Submission:

Dasa
Classification: Uncertain significance. Last evaluated: 2026-02-27. Review status: criteria provided, single submitter. Criteria: DASA Assertion Criteria. Collection method: clinical testing. Allele origin: germline.
Comment: NM_001105247.2(ARMC5):c.1592G>A (p.Arg531His) is a missense variant that results in the substitution of arginine with histidine. This variant is rare in population databases. The currently available literature and clinical evidence are not sufficient to establish a definitive association between this variant and the reported condition. Therefore, this variant is classified as a variant of uncertain significance.

NM_001105247.2(ARMC5):c.1592G>A (p.Arg531His)

Gene: ARMC5 (armadillo repeat containing 5; plus strand). Cytogenetic location: 16p11.2.
Variant type: single nucleotide variant.
Coding change: c.1592G>A on transcript NM_001105247.2 (MANE Select); coding-DNA position 1592, G replaced by A.
Protein change: p.Arg531His; replaces arginine 531 with histidine.
Molecular consequence: missense variant.
Genome position (GRCh38, 1-based): chr16:31,464,615, G>A. VCF-style: chr16-31464615-G-A. GRCh37 (hg19) VCF-style: chr16-31475936-G-A.
Other names: c.1877G>A, p.Arg626His (NM_001288767.2); c.1688G>A, p.Arg563His (NM_001301820.1); c.1592G>A, p.Arg531His (NM_024742.2); short protein forms R531H, R563H, R626H.
Identifiers: ClinVar variation 4883216 (VCV004883216.2).